The following is an entry in ClinVar:

NM_004448.4(ERBB2):c.41C>T (p.Ala14Val)

Gene: ERBB2 (erb-b2 receptor tyrosine kinase 2; plus strand). Cytogenetic location: 17q12.
Variant type: single nucleotide variant.
Coding change: c.41C>T on transcript NM_004448.4 (MANE Select); coding-DNA position 41, C replaced by T.
Protein change: p.Ala14Val; replaces alanine 14 with valine.
Molecular consequence: missense variant. On other transcripts: 5 prime UTR variant (1), non-coding transcript variant (1), intron variant (4).
Genome position (GRCh38, 1-based): chr17:39,700,279, C>T. VCF-style: chr17-39700279-C-T. GRCh37 (hg19) VCF-style: chr17-37856532-C-T.
Other names: c.41C>T, p.Ala14Val (NM_001289937.2, NM_001382784.1, NM_001382785.1 and 21 more transcripts); c.-175C>T (NM_001382783.1); c.-18+5098C>T (NM_001382782.1, NM_001005862.3, NM_001289938.2); c.28+692C>T (NM_001289936.2); short protein forms A14V.
Identifiers: ClinVar variation 2413215 (VCV002413215.5), dbSNP rs1293505485, ClinGen allele CA399266607.
Genomic context (GRCh38, chr17:39,700,279, plus strand): 5'-CCGGAGCCGCAGTGAGCACCATGGAGCTGGCGGCCTTGTGCCGCTGGGGGCTCCTCCTCG[C>T]CCTCTTGCCCCCCGGAGCCGCGAGCACCCAAGGTGGGTCTGGTGTGGGGAGGGGACGGAG-3'
Protein context (NP_004439.2, residues 4-24): AALCRWGLLL[Ala14Val]LLPPGAASTQ

ClinVar aggregate classification (germline): Uncertain significance (1 of 4 stars; one submission).

Allele frequency attached by ClinVar (database versions not stated): gnomAD 0.00001; gnomAD exomes 0.00001.
gnomAD v4.1: 5 of 1,432,734 alleles (0.00035%); highest among the groups gnomAD compares: South Asian, 0.0057%; no homozygotes.

Submission:

Labcorp Genetics (formerly Invitae), Labcorp
Classification: Uncertain significance. Last evaluated: 2022-04-01. Review status: criteria provided, single submitter. Criteria: Invitae Variant Classification Sherloc (09022015). Collection method: clinical testing. Allele origin: germline.
Comment: In summary, the available evidence is currently insufficient to determine the role of this variant in disease. Therefore, it has been classified as a Variant of Uncertain Significance. Algorithms developed to predict the effect of missense changes on protein structure and function output the following: SIFT: "Tolerated"; PolyPhen-2: "Not Available"; Align-GVGD: "Class C0". The valine amino acid residue is found in multiple mammalian species, which suggests that this missense change does not adversely affect protein function. This variant has not been reported in the literature in individuals affected with ERBB2-related conditions. The frequency data for this variant in the population databases is considered unreliable, as metrics indicate poor data quality at this position in the gnomAD database. This sequence change replaces alanine, which is neutral and non-polar, with valine, which is neutral and non-polar, at codon 14 of the ERBB2 protein (p.Ala14Val).